The following is an entry in ClinVar:

ClinVar aggregate classification (germline): Uncertain significance. Review status: criteria provided, multiple submitters, no conflicts (2 of 4 stars). 3 submissions from 3 submitters: Uncertain significance (3). Last evaluated 2025-06-15.

Conditions:
Inborn genetic diseases. Identifiers: MedGen C0950123, MeSH D030342.
Early-infantile DEE. Also called: Early infantile epileptic encephalopathy with suppression bursts; Ohtahara syndrome; Early infantile epileptic encephalopathy. Identifiers: Orphanet 1934, MedGen C0393706, MONDO:0800491.

Allele frequency attached by ClinVar (database versions not stated): gnomAD 0.00001; gnomAD exomes 0.00001; TOPMed 0.00002.
gnomAD v4.1: 12 of 1,608,392 alleles (0.00075%); highest among the groups gnomAD compares: Middle Eastern, 0.016%; no homozygotes.

Submissions (3):

Labcorp Genetics (formerly Invitae), Labcorp
Classification: Uncertain significance for Early-infantile DEE. Last evaluated: 2025-06-15. Review status: criteria provided, single submitter. Criteria: Invitae Variant Classification Sherloc (09022015). Collection method: clinical testing. Allele origin: germline.
Comment: This sequence change replaces arginine, which is basic and polar, with glutamine, which is neutral and polar, at codon 782 of the KCNQ2 protein (p.Arg782Gln). The frequency data for this variant in the population databases is considered unreliable, as metrics indicate poor data quality at this position in the gnomAD database. This variant has not been reported in the literature in individuals affected with KCNQ2-related conditions. ClinVar contains an entry for this variant (Variation ID: 1409505). Invitae Evidence Modeling of protein sequence and biophysical properties (such as structural, functional, and spatial information, amino acid conservation, physicochemical variation, residue mobility, and thermodynamic stability) indicates that this missense variant is not expected to disrupt KCNQ2 protein function with a negative predictive value of 95%. In summary, the available evidence is currently insufficient to determine the role of this variant in disease. Therefore, it has been classified as a Variant of Uncertain Significance.

CeGaT Center for Human Genetics Tuebingen
Classification: Uncertain significance. Last evaluated: 2025-04-01. Review status: criteria provided, single submitter. Criteria: CeGaT Center For Human Genetics Tuebingen Variant Classification Criteria Version 2. Collection method: clinical testing. Allele origin: germline. Affected: yes. Observed: 1 variant allele.

Ambry Genetics
Classification: Uncertain significance for Inborn genetic diseases. Last evaluated: 2024-10-03. Review status: criteria provided, single submitter. Criteria: Ambry Variant Classification Scheme 2023. Collection method: clinical testing. Allele origin: germline.

NM_172107.4(KCNQ2):c.2345G>A (p.Arg782Gln)

Gene: KCNQ2 (potassium voltage-gated channel subfamily Q member 2; minus strand). Cytogenetic location: 20q13.33.
Variant type: single nucleotide variant.
Coding change: c.2345G>A on transcript NM_172107.4 (MANE Select); coding-DNA position 2345, G replaced by A.
Protein change: p.Arg782Gln; replaces arginine 782 with glutamine.
Molecular consequence: missense variant.
Genome position (GRCh38, 1-based): chr20:63,406,918, C>T on the plus strand (G>A on the coding strand, the complement: KCNQ2 is on the minus strand). VCF-style: chr20-63406918-C-T. GRCh37 (hg19) VCF-style: chr20-62038271-C-T.
Other names: c.2399G>A, p.Arg800Gln (NM_001382235.1); c.2261G>A, p.Arg754Gln (NM_004518.6); c.2291G>A, p.Arg764Gln (NM_172106.3); c.2252G>A, p.Arg751Gln (NM_172108.5); c.2345G>A (NM_172107.2); short protein forms R751Q, R754Q, R764Q, R800Q, R782Q.
Identifiers: ClinVar variation 1409505 (VCV001409505.17), dbSNP rs756083804, ClinGen allele CA9958093.